The following is an entry in ClinVar:

ClinVar aggregate classification (germline): Pathogenic (1 of 4 stars; one submission).

Conditions:
Jeune thoracic dystrophy. Also called: Jeune's syndrome; Chondroectodermal dysplasia-like syndrome; Short-rib thoracic dysplasia; Jeune syndrome; Infantile thoracic dystrophy; Thoracic pelvic phalangeal dystrophy. Identifiers: Orphanet 474, MedGen C0265275, MONDO:0018770.

Submission:

Labcorp Genetics (formerly Invitae), Labcorp
Classification: Pathogenic for Jeune thoracic dystrophy. Last evaluated: 2023-08-29. Review status: criteria provided, single submitter. Criteria: Invitae Variant Classification Sherloc (09022015). Collection method: clinical testing. Allele origin: unknown.
Comment: This variant is a gross deletion of the genomic region encompassing exon(s) 68-70 of the DYNC2H1 gene. This variant would be expected to be in-frame, preserving the integrity of the reading frame. This variant has not been reported in the literature in individuals affected with DYNC2H1-related conditions. This variant disrupts a region of the DYNC2H1 protein in which other variant(s) (p.Leu3448Pro) have been determined to be pathogenic (PMID: 24183451, 26938784, 29068549). This suggests that this is a clinically significant region of the protein, and that variants that disrupt it are likely to be disease-causing. For these reasons, this variant has been classified as Pathogenic.

Literature cited by the submitters: PubMed 24183451; PubMed 26938784; PubMed 29068549.

NC_000011.9:g.(?_103126124)_(103128500_?)del

Gene: DYNC2H1 (dynein cytoplasmic 2 heavy chain 1; plus strand). Cytogenetic location: 11q22.3.
Variant type: Deletion.
Identifiers: ClinVar variation 3244568 (VCV003244568.1).